The following is an entry in ClinVar:

ClinVar aggregate classification (germline): Likely benign (1 of 4 stars; one submission).

Submission:

Women's Health and Genetics/Laboratory Corporation of America, LabCorp
Classification: Likely benign. Last evaluated: 2026-04-24. Review status: criteria provided, single submitter. Criteria: LabCorp Variant Classification Summary - May 2015. Collection method: clinical testing. Allele origin: germline.
Comment: Variant summary: SPEN c.3243C>T alters a non-conserved nucleotide resulting in a synonymous change. Consensus agreement among computation tools predict no significant impact on normal splicing. However, these predictions have yet to be confirmed by functional studies. The variant was absent in 250290 control chromosomes. The available data on variant occurrences in the general population are insufficient to allow any conclusion about variant significance. To our knowledge, no occurrence of c.3243C>T in individuals affected with SPEN-related conditions and no experimental evidence demonstrating its impact on protein function have been reported. No submitters have cited clinical-significance assessments for this variant to ClinVar. Based on the evidence outlined above, the variant was classified as likely benign.

NM_015001.3(SPEN):c.3243C>T (p.Ser1081=)

Gene: SPEN (spen family transcriptional repressor; plus strand). Cytogenetic location: 1p36.13.
Variant type: single nucleotide variant.
Coding change: c.3243C>T on transcript NM_015001.3 (MANE Select); coding-DNA position 3243, C replaced by T.
Protein change: p.Ser1081=; no amino-acid change (serine 1081 retained).
Molecular consequence: synonymous variant.
Genome position (GRCh38, 1-based): chr1:15,929,483, C>T. VCF-style: chr1-15929483-C-T. GRCh37 (hg19) VCF-style: chr1-16255978-C-T.
Identifiers: ClinVar variation 4849113 (VCV004849113.1).